The following is an entry in ClinVar:

ClinVar aggregate classification (germline): Uncertain significance. Review status: criteria provided, multiple submitters, no conflicts (2 of 4 stars). 2 submissions from 2 submitters: Uncertain significance (2). Last evaluated 2025-10-16.

Conditions:
Hereditary cancer-predisposing syndrome. Also called: Hereditary neoplastic syndrome; Tumor predisposition; Neoplastic Syndromes, Hereditary; Hereditary Cancer Syndrome. Identifiers: Orphanet 140162, MedGen C0027672, MeSH D009386, MONDO:0015356.

Submissions (2):

Ambry Genetics
Classification: Uncertain significance for Hereditary cancer-predisposing syndrome. Last evaluated: 2025-10-16. Review status: criteria provided, single submitter. Criteria: Ambry Variant Classification Scheme 2023. Collection method: clinical testing. Allele origin: germline.
Comment: The p.V464F variant (also known as c.1390G>T) is located in coding exon 10 of the CTNNA1 gene. The valine at codon 464 is replaced by phenylalanine, an amino acid with highly similar properties. This change occurs in the first base pair of coding exon 10. This amino acid position is highly conserved in available vertebrate species. In addition, this alteration is predicted to be deleterious by in silico analysis. Based on the available evidence, the clinical significance of this variant remains unclear.

Labcorp Genetics (formerly Invitae), Labcorp
Classification: Uncertain significance. Last evaluated: 2024-03-24. Review status: criteria provided, single submitter. Criteria: Invitae Variant Classification Sherloc (09022015). Collection method: clinical testing. Allele origin: germline.
Comment: This sequence change replaces valine, which is neutral and non-polar, with phenylalanine, which is neutral and non-polar, at codon 464 of the CTNNA1 protein (p.Val464Phe). This variant is not present in population databases (gnomAD no frequency). This variant has not been reported in the literature in individuals affected with CTNNA1-related conditions. ClinVar contains an entry for this variant (Variation ID: 657057). An algorithm developed to predict the effect of missense changes on protein structure and function (PolyPhen-2) suggests that this variant is likely to be disruptive. In summary, the available evidence is currently insufficient to determine the role of this variant in disease. Therefore, it has been classified as a Variant of Uncertain Significance.

NM_001903.5(CTNNA1):c.1390G>T (p.Val464Phe)

Gene: CTNNA1 (catenin alpha 1; plus strand). Cytogenetic location: 5q31.2.
Variant type: single nucleotide variant.
Coding change: c.1390G>T on transcript NM_001903.5 (MANE Select); coding-DNA position 1390, G replaced by T.
Protein change: p.Val464Phe; replaces valine 464 with phenylalanine.
Molecular consequence: missense variant. On other transcripts: 5 prime UTR variant (5).
Genome position (GRCh38, 1-based): chr5:138,917,742, G>T. VCF-style: chr5-138917742-G-T. GRCh37 (hg19) VCF-style: chr5-138253431-G-T.
Other names: c.1390G>T, p.Val464Phe (NM_001290307.3, NM_001323982.2, NM_001323983.1 and 2 more transcripts); c.1081G>T, p.Val361Phe (NM_001290309.3); c.1021G>T, p.Val341Phe (NM_001290310.3); c.280G>T, p.Val94Phe (NM_001290312.1, NM_001323987.1, NM_001323988.1 and 17 more transcripts); c.1297G>T, p.Val433Phe (NM_001323986.2); c.-60G>T (NM_001324006.1, NM_001324007.1, NM_001324008.1 and 2 more transcripts); c.187G>T, p.Val63Phe (NM_001324011.1); c.37G>T, p.Val13Phe (NM_001324012.1, NM_001324013.1); short protein forms V13F, V94F, V361F, V464F, V341F, V433F, V63F.
Identifiers: ClinVar variation 657057 (VCV000657057.12), dbSNP rs1580799102, ClinGen allele CA361137022.